The following is an entry in ClinVar:

NM_024675.4(PALB2):c.1103dup (p.Asn368fs)

Gene: PALB2 (partner and localizer of BRCA2; minus strand). Cytogenetic location: 16p12.2.
Variant type: Duplication.
Coding change: c.1103dup on transcript NM_024675.4 (MANE Select); coding-DNA position 1103, one base duplicated (A; older notation c.1103dupA).
Protein change: p.Asn368fs; shifts the reading frame from asparagine 368.
Molecular consequence: frameshift variant.
Genome position (GRCh38, 1-based): chr16:23,635,443, T duplicated on the plus strand (A on the coding strand, the reverse complement: PALB2 is on the minus strand); the first of 4 consecutive T bases (chr16:23,635,443-23,635,446); duplicating any one gives the same sequence. VCF-style (leftmost placement, unchanged base first): chr16-23635442-A-AT. GRCh37 (hg19) VCF-style: chr16-23646763-A-AT.
Other names: short protein forms N368fs.
Identifiers: ClinVar variation 822178 (VCV000822178.4), dbSNP rs1555461451, ClinGen allele CA915949206.

ClinVar aggregate classification (germline): Pathogenic (1 of 4 stars; one submission).

Conditions:
Hereditary cancer-predisposing syndrome. Also called: Tumor predisposition; Hereditary Cancer Syndrome; Neoplastic Syndromes, Hereditary; Hereditary neoplastic syndrome. Identifiers: Orphanet 140162, MedGen C0027672, MeSH D009386, MONDO:0015356.

Submission:

Ambry Genetics
Classification: Pathogenic for Hereditary cancer-predisposing syndrome. Last evaluated: 2019-03-13. Review status: criteria provided, single submitter. Criteria: Ambry Variant Classification Scheme 2023. Collection method: clinical testing. Allele origin: germline.
Comment: The c.1103dupA pathogenic mutation, located in coding exon 4 of the PALB2 gene, results from a duplication of A at nucleotide position 1103, causing a translational frameshift with a predicted alternate stop codon (p.N368Kfs*6). This alteration is expected to result in loss of function by premature protein truncation or nonsense-mediated mRNA decay. As such, this alteration is interpreted as a disease-causing mutation.